The following is an entry in ClinVar:

ClinVar aggregate classification (germline): Likely benign (1 of 4 stars; one submission).

Allele frequency attached by ClinVar (database versions not stated): ExAC 0.00006; gnomAD exomes 0.00009; 1000 Genomes Project 30x 0.00156; 1000 Genomes Project 0.04193.

Submission:

CeGaT Center for Human Genetics Tuebingen
Classification: Likely benign. Last evaluated: 2023-10-01. Review status: criteria provided, single submitter. Criteria: CeGaT Center For Human Genetics Tuebingen Variant Classification Criteria Version 2. Collection method: clinical testing. Allele origin: germline. Affected: yes. Observed: 1 variant allele.
Comment: AHNAK2: BP4, BS2

NM_138420.4(AHNAK2):c.6179A>C (p.His2060Pro)

Gene: AHNAK2 (AHNAK nucleoprotein 2; minus strand). Cytogenetic location: 14q32.33.
Variant type: single nucleotide variant.
Coding change: c.6179A>C on transcript NM_138420.4 (MANE Select); coding-DNA position 6179, A replaced by C.
Protein change: p.His2060Pro; replaces histidine 2060 with proline.
Molecular consequence: missense variant.
Genome position (GRCh38, 1-based): chr14:104,949,272, T>G on the plus strand (A>C on the coding strand, the complement: AHNAK2 is on the minus strand). VCF-style: chr14-104949272-T-G. GRCh37 (hg19) VCF-style: chr14-105415609-T-G.
Other names: c.5879A>C, p.His1960Pro (NM_001350929.2); short protein forms H1960P, H2060P.
Identifiers: ClinVar variation 2644749 (VCV002644749.24), dbSNP rs555701585, ClinGen allele CA7381295.